The following is an entry in ClinVar:

ClinVar aggregate classification (germline): Uncertain significance. Review status: criteria provided, multiple submitters, no conflicts (2 of 4 stars). 2 submissions from 2 submitters: Uncertain significance (2). Last evaluated 2026-01-06.

Conditions:
Maple syrup urine disease (MSUD). Identifiers: Orphanet 511, MedGen C0024776, MeSH D008375, MONDO:0009563. Disease mechanism: loss of function.

Allele frequency attached by ClinVar (database versions not stated): gnomAD exomes below 0.00001.
gnomAD v4.1: 1 of 1,613,974 alleles (0.000062%); highest among the groups gnomAD compares: Non-Finnish European, 0.000085%; no homozygotes.

Submissions (2):

Labcorp Genetics (formerly Invitae), Labcorp
Classification: Uncertain significance for Maple syrup urine disease. Last evaluated: 2026-01-06. Review status: criteria provided, single submitter. Criteria: Invitae Variant Classification Sherloc (09022015). Collection method: clinical testing. Allele origin: germline.
Comment: This sequence change replaces tyrosine, which is neutral and polar, with aspartic acid, which is acidic and polar, at codon 383 of the BCKDHB protein (p.Tyr383Asp). This variant is not present in population databases (gnomAD no frequency). This variant has not been reported in the literature in individuals affected with BCKDHB-related conditions. ClinVar contains an entry for this variant (Variation ID: 96569). Invitae Evidence Modeling of protein sequence and biophysical properties (such as structural, functional, and spatial information, amino acid conservation, physicochemical variation, residue mobility, and thermodynamic stability) indicates that this missense variant is not expected to disrupt BCKDHB protein function with a negative predictive value of 80%. In summary, the available evidence is currently insufficient to determine the role of this variant in disease. Therefore, it has been classified as a Variant of Uncertain Significance.

Eurofins Ntd Llc (ga)
Classification: Uncertain significance. Last evaluated: 2013-09-04. Review status: criteria provided, single submitter. Criteria: EGL Classification Definitions 2015. Collection method: clinical testing. Allele origin: germline. Observed: 6 variant alleles, 5 heterozygotes, 1 homozygote.

NM_183050.4(BCKDHB):c.1147T>G (p.Tyr383Asp)

Gene: BCKDHB (branched chain keto acid dehydrogenase E1 subunit beta; plus strand). Cytogenetic location: 6q14.1.
Variant type: single nucleotide variant.
Coding change: c.1147T>G on transcript NM_183050.4 (MANE Select); coding-DNA position 1147, T replaced by G.
Protein change: p.Tyr383Asp; replaces tyrosine 383 with aspartic acid.
Molecular consequence: missense variant. On other transcripts: non-coding transcript variant (1).
Genome position (GRCh38, 1-based): chr6:80,343,772, T>G. VCF-style: chr6-80343772-T-G. GRCh37 (hg19) VCF-style: chr6-81053489-T-G.
Other names: c.1147T>G, p.Tyr383Asp (NM_000056.5); c.937T>G, p.Tyr313Asp (NM_001318975.1); short protein forms Y383D, Y313D.
Identifiers: ClinVar variation 96569 (VCV000096569.6), dbSNP rs398124566, ClinGen allele CA224256.